The following is an entry in ClinVar:

NM_006231.4(POLE):c.1488del (p.Ser497fs)

Gene: POLE (DNA polymerase epsilon, catalytic subunit; minus strand). Cytogenetic location: 12q24.33.
Variant type: Deletion.
Coding change: c.1488del on transcript NM_006231.4 (MANE Select); coding-DNA position 1488, one base deleted (C; older notation c.1488delC).
Protein change: p.Ser497fs; shifts the reading frame from serine 497.
Molecular consequence: frameshift variant.
Genome position (GRCh38, 1-based): chr12:132,672,825, G deleted on the plus strand (C on the coding strand, the reverse complement: POLE is on the minus strand). VCF-style (leftmost placement, unchanged base first): chr12-132672824-AG-A. GRCh37 (hg19) VCF-style: chr12-133249410-AG-A.
Other names: short protein forms S497fs.
Identifiers: ClinVar variation 1498381 (VCV001498381.8), dbSNP rs2135994295, ClinGen allele CA2573148304.

ClinVar aggregate classification (germline): Pathogenic (1 of 4 stars; one submission).

Submission:

Labcorp Genetics (formerly Invitae), Labcorp
Classification: Pathogenic. Last evaluated: 2022-12-16. Review status: criteria provided, single submitter. Criteria: Invitae Variant Classification Sherloc (09022015). Collection method: clinical testing. Allele origin: germline.
Comment: For these reasons, this variant has been classified as Pathogenic. ClinVar contains an entry for this variant (Variation ID: 1498381). This variant has not been reported in the literature in individuals affected with POLE-related conditions. This variant is not present in population databases (gnomAD no frequency). This sequence change creates a premature translational stop signal (p.Ser497Leufs*9) in the POLE gene. It is expected to result in an absent or disrupted protein product. Loss-of-function variants in POLE are known to be pathogenic (PMID: 23230001, 25948378, 30503519).

Literature cited by the submitters: PubMed 23230001; PubMed 25948378; PubMed 30503519.